The following is an entry in ClinVar:

ClinVar aggregate classification (germline): Likely pathogenic. Review status: criteria provided, single submitter (1 of 4 stars). 2 submissions from 2 submitters: Likely pathogenic (1). 1 of the submissions does not count toward it. Last evaluated 2021-07-19.

Conditions:
TNF receptor-associated periodic fever syndrome (TRAPS) (FPF). Also called: Autosomal Dominant Familial Periodic Fever; TNF RECEPTOR-ASSOCIATED PERIODIC SYNDROME; TUMOR NECROSIS FACTOR RECEPTOR-ASSOCIATED PERIODIC SYNDROME; TNF Receptor-Associated Periodic Fever Syndrome; FAMILIAL HIBERNIAN FEVER; TNF receptor 1-associated periodic fever syndrome. Identifiers: Orphanet 32960, MedGen C1275126, MONDO:0007727, OMIM 142680.

Allele frequency attached by ClinVar (database versions not stated): gnomAD exomes below 0.00001.

Submissions (2):

Dr. med. U. Finckh, Human Genetics, Eurofins MVZ
Classification: Likely pathogenic for TNF receptor-associated periodic fever syndrome (TRAPS). Last evaluated: 2021-07-19. Review status: criteria provided, single submitter. Criteria: ACMG Guidelines, 2015. Collection method: clinical testing. Allele origin: unknown. Affected: yes. Observed: 1 heterozygote.
Comment: This variant is predicted to disrupt the exon/intron 4 splice donor of TNFRSF1A. The variant is also present in gnomAD once. Infevers classifies it as likely pathogenic. We classify it as likely pathogenic.

Unité médicale des maladies autoinflammatoires, CHRU Montpellier
No classification provided. Condition: TNF receptor-associated periodic fever syndrome (TRAPS). Review status: no classification provided. Collection method: not provided. Allele origin: unknown. Not counted in ClinVar's aggregate classification.

NM_001065.4(TNFRSF1A):c.472+1G>A

Gene: TNFRSF1A (TNF receptor superfamily member 1A; minus strand). Cytogenetic location: 12p13.31.
Variant type: single nucleotide variant.
Coding change: c.472+1G>A on transcript NM_001065.4 (MANE Select); the canonical splice donor site of the intron after coding-DNA position 472, G replaced by A.
Molecular consequence: splice donor variant.
Genome position (GRCh38, 1-based): chr12:6,333,366, C>T on the plus strand (G>A on the coding strand, the complement: TNFRSF1A is on the minus strand). VCF-style: chr12-6333366-C-T. GRCh37 (hg19) VCF-style: chr12-6442532-C-T.
Other names: c.148+1G>A (NM_001346091.2); c.-106+1G>A (NM_001346092.2).
Identifiers: ClinVar variation 97704 (VCV000097704.2), dbSNP rs104895287, ClinGen allele CA280867.